The following is an entry in ClinVar:

ClinVar aggregate classification (germline): Pathogenic (1 of 4 stars; one submission).

Submission:

CeGaT Center for Human Genetics Tuebingen
Classification: Pathogenic. Last evaluated: 2025-12-01. Review status: criteria provided, single submitter. Criteria: CeGaT Center For Human Genetics Tuebingen Variant Classification Criteria Version 2. Collection method: clinical testing. Allele origin: germline. Affected: yes. Observed: 1 variant allele.
Comment: KMT2B: PVS1, PM2

NM_014727.3(KMT2B):c.4951del (p.Val1651fs)

Gene: KMT2B (lysine methyltransferase 2B; plus strand). Cytogenetic location: 19q13.12.
Variant type: Deletion.
Coding change: c.4951del on transcript NM_014727.3 (MANE Select); coding-DNA position 4951, one base deleted (G; older notation c.4951delG).
Protein change: p.Val1651fs; shifts the reading frame from valine 1651.
Molecular consequence: frameshift variant.
Genome position (GRCh38, 1-based): chr19:35,730,000, G deleted; the last of 2 consecutive G bases (chr19:35,729,999-35,730,000); deleting either gives the same sequence. VCF-style (leftmost placement, unchanged base first): chr19-35729998-CG-C. GRCh37 (hg19) VCF-style: chr19-36220899-CG-C.
Other names: short protein forms V1651fs.
Identifiers: ClinVar variation 4682084 (VCV004682084.5).